The following is an entry in ClinVar:

NM_001303256.3(MORC2):c.2522+3A>G

Gene: MORC2 (MORC family CW-type zinc finger 2; minus strand). Cytogenetic location: 22q12.2.
Variant type: single nucleotide variant.
Coding change: c.2522+3A>G on transcript NM_001303256.3 (MANE Select); 3 bases into the intron after coding-DNA position 2522, A replaced by G.
Molecular consequence: intron variant.
Genome position (GRCh38, 1-based): chr22:30,932,886, T>C on the plus strand (A>G on the coding strand, the complement: MORC2 is on the minus strand). VCF-style: chr22-30932886-T-C. GRCh37 (hg19) VCF-style: chr22-31328873-T-C.
Other names: c.2522+3A>G (NM_001303257.2); c.2336+3A>G (NM_014941.3).
Identifiers: ClinVar variation 847485 (VCV000847485.8), dbSNP rs2040596380, ClinGen allele CA916083817.

ClinVar aggregate classification (germline): Uncertain significance (1 of 4 stars; one submission).

Conditions:
Charcot-Marie-Tooth disease axonal type 2Z. Also called: CHARCOT-MARIE-TOOTH DISEASE, AXONAL, AUTOSOMAL DOMINANT, TYPE 2Z; CHARCOT-MARIE-TOOTH NEUROPATHY, TYPE 2Z. Identifiers: Orphanet 466768, MedGen C5569025, MONDO:0014736, OMIM 616688.

Submission:

Labcorp Genetics (formerly Invitae), Labcorp
Classification: Uncertain significance for Charcot-Marie-Tooth disease axonal type 2Z. Last evaluated: 2019-04-08. Review status: criteria provided, single submitter. Criteria: Invitae Variant Classification Sherloc (09022015). Collection method: clinical testing. Allele origin: germline.
Comment: In summary, the available evidence is currently insufficient to determine the role of this variant in disease. Therefore, it has been classified as a Variant of Uncertain Significance. Nucleotide substitutions within the consensus splice site are a relatively common cause of aberrant splicing (PMID: 17576681, 9536098). Algorithms developed to predict the effect of sequence changes on RNA splicing suggest that this variant may disrupt the consensus splice site, but this prediction has not been confirmed by published transcriptional studies. This variant has not been reported in the literature in individuals with MORC2-related conditions. This variant is not present in population databases (ExAC no frequency). This sequence change falls in intron 22 of the MORC2 gene. It does not directly change the encoded amino acid sequence of the MORC2 protein, but it affects a nucleotide within the consensus splice site of the intron.

Literature cited by the submitters: PubMed 17576681; PubMed 9536098.